The following is an entry in ClinVar:

NM_001482.3(GATM):c.875A>G (p.His292Arg)

Gene: GATM (glycine amidinotransferase; minus strand). Cytogenetic location: 15q21.1.
Variant type: single nucleotide variant.
Coding change: c.875A>G on transcript NM_001482.3 (MANE Select); coding-DNA position 875, A replaced by G.
Protein change: p.His292Arg; replaces histidine 292 with arginine.
Molecular consequence: missense variant.
Genome position (GRCh38, 1-based): chr15:45,366,149, T>C on the plus strand (A>G on the coding strand, the complement: GATM is on the minus strand). VCF-style: chr15-45366149-T-C. GRCh37 (hg19) VCF-style: chr15-45658347-T-C.
Other names: c.488A>G, p.His163Arg (NM_001321015.2); short protein forms H163R, H292R.
Identifiers: ClinVar variation 1034931 (VCV001034931.9), dbSNP rs747005297, ClinGen allele CA7542833.
Genomic context (GRCh38, chr15:45,366,149, plus strand): 5'-CCAATGATGTTGAAGGTAGCATCAATATGCATGGGATTGGGATCTTTAAAGGAGATGATA[T>C]GCACTCTGTAGTCTGGAGCAAGATGCCTACGCATCCATTCAATGCCTAGGTAGTTTGTAA-3'
Protein context (NP_001473.1, residues 282-302): RRHLAPDYRV[His292Arg]IISFKDPNPM

ClinVar aggregate classification (germline): Uncertain significance. Review status: criteria provided, multiple submitters, no conflicts (2 of 4 stars). 2 submissions from 2 submitters: Uncertain significance (2). Last evaluated 2025-08-29.

Conditions:
Fanconi renotubular syndrome 1. Also called: Toni-Debre-Fanconi syndrome; Neonatal De Toni-Debre-Fanconi syndrome; De Toni-Fanconi syndrome; LUDER-SHELDON SYNDROME; FRTS1. Identifiers: MedGen C4551503, MONDO:0024525, OMIM 134600.
Arginine:glycine amidinotransferase deficiency (CCDS3). Also called: AGAT deficiency; Cerebral creatine deficiency syndrome 3; L-Arginine:Glycine Amidinotransferase Deficiency; Creatine deficiency syndrome due to AGAT deficiency; GATM deficiency; L-Arginine:Glycine Amidinotransferase (AGAT) Deficiency. Identifiers: Orphanet 35704, MedGen C2675179, MONDO:0012996, OMIM 612718.

Allele frequency attached by ClinVar (database versions not stated): ExAC 0.00001; gnomAD 0.00001; gnomAD exomes 0.00001; TOPMed 0.00001.
gnomAD v4.1: 20 of 1,613,908 alleles (0.0012%); highest among the groups gnomAD compares: Non-Finnish European, 0.0016%; no homozygotes.

Submissions (2):

Labcorp Genetics (formerly Invitae), Labcorp
Classification: Uncertain significance for Arginine:glycine amidinotransferase deficiency. Last evaluated: 2025-08-29. Review status: criteria provided, single submitter. Criteria: Invitae Variant Classification Sherloc (09022015). Collection method: clinical testing. Allele origin: germline.
Comment: This sequence change replaces histidine, which is basic and polar, with arginine, which is basic and polar, at codon 292 of the GATM protein (p.His292Arg). This variant is present in population databases (rs747005297, gnomAD 0.002%). This missense change has been observed in individual(s) with interstitial nephritis (PMID: 36100708). ClinVar contains an entry for this variant (Variation ID: 1034931). Invitae Evidence Modeling of protein sequence and biophysical properties (such as structural, functional, and spatial information, amino acid conservation, physicochemical variation, residue mobility, and thermodynamic stability) indicates that this missense variant is expected to disrupt GATM protein function with a positive predictive value of 95%. In summary, the available evidence is currently insufficient to determine the role of this variant in disease. Therefore, it has been classified as a Variant of Uncertain Significance.

Fulgent Genetics
Classification: Uncertain significance for Fanconi renotubular syndrome 1; Arginine:glycine amidinotransferase deficiency. Last evaluated: 2022-05-14. Review status: criteria provided, single submitter. Criteria: ACMG Guidelines, 2015. Collection method: clinical testing. Allele origin: unknown.

Literature cited by the submitters: PubMed 36100708 (cited by Labcorp Genetics (formerly Invitae), Labcorp).